The following is an entry in ClinVar:

NM_000528.4(MAN2B1):c.1830+138C>T

Gene: MAN2B1 (mannosidase alpha class 2B member 1; minus strand). Cytogenetic location: 19p13.13.
Variant type: single nucleotide variant.
Coding change: c.1830+138C>T on transcript NM_000528.4 (MANE Select); 138 bases into the intron after coding-DNA position 1830, C replaced by T.
Molecular consequence: intron variant.
Genome position (GRCh38, 1-based): chr19:12,655,556, G>A on the plus strand (C>T on the coding strand, the complement: MAN2B1 is on the minus strand). VCF-style: chr19-12655556-G-A. GRCh37 (hg19) VCF-style: chr19-12766370-G-A.
Other names: NC_000019.9:g.12766370G>A; c.1827+138C>T (NM_001173498.2).
Identifiers: ClinVar variation 684375 (VCV000684375.2), dbSNP rs8107642, ClinGen allele CA15952189.

ClinVar aggregate classification (germline): Benign (1 of 4 stars; one submission).

Allele frequency attached by ClinVar (database versions not stated): 1000 Genomes Project 30x 0.36321; 1000 Genomes Project 0.36581; TOPMed 0.48251.

Submissions (5):

GeneDx
Classification: Benign. Last evaluated: 2018-06-19. Review status: criteria provided, single submitter. Criteria: GeneDx Variant Classification (06012015). Collection method: clinical testing. Allele origin: germline. Affected: yes.
Comment: This variant is considered likely benign or benign based on one or more of the following criteria: it is a conservative change, it occurs at a poorly conserved position in the protein, it is predicted to be benign by multiple in silico algorithms, and/or has population frequency not consistent with disease.

Dr. Peter K. Rogan Lab, Western University
No classification provided (evidence only). Condition: Malignant lymphoma, large B-cell, diffuse. Review status: no classification provided. Collection method: in vitro. Allele origin: not applicable. Functional consequence: retained intron. Not counted in ClinVar's aggregate classification.

Dr. Peter K. Rogan Lab, Western University
No classification provided (evidence only). Condition: Malignant lymphoma, large B-cell, diffuse. Review status: no classification provided. Collection method: in vitro. Allele origin: not applicable. Functional consequence: retained intron. Not counted in ClinVar's aggregate classification.

Dr. Peter K. Rogan Lab, Western University
No classification provided (evidence only). Condition: Malignant lymphoma, large B-cell, diffuse. Review status: no classification provided. Collection method: in vitro. Allele origin: not applicable. Functional consequence: retained intron. Not counted in ClinVar's aggregate classification.

Dr. Peter K. Rogan Lab, Western University
No classification provided (evidence only). Condition: Hepatocellular carcinoma. Review status: no classification provided. Collection method: in vitro. Allele origin: not applicable. Functional consequence: retained intron. Not counted in ClinVar's aggregate classification.